The following is an entry in ClinVar:

NM_000337.6(SGCD):c.*3292A>G

Gene: SGCD (sarcoglycan delta; plus strand). Cytogenetic location: 5q33.3.
Variant type: single nucleotide variant.
Coding change: c.*3292A>G on transcript NM_000337.6 (MANE Select); 3292 bases downstream of the stop codon, A replaced by G.
Molecular consequence: 3 prime UTR variant.
Genome position (GRCh38, 1-based): chr5:156,762,682, A>G. VCF-style: chr5-156762682-A-G. GRCh37 (hg19) VCF-style: chr5-156189693-A-G.
Other names: c.*3292A>G (NM_001128209.2).
Identifiers: ClinVar variation 352367 (VCV000352367.6), dbSNP rs148505840, ClinGen allele CA10619792.

ClinVar aggregate classification (germline): Likely benign (1 of 4 stars; one submission).

Conditions:
Qualitative or quantitative defects of delta-sarcoglycan. Identifiers: Orphanet 207070, MedGen C5680806, MONDO:0016144.

Allele frequency attached by ClinVar (database versions not stated): gnomAD 0.00334 and 0.00364; 1000 Genomes Project 0.00339; 1000 Genomes Project 30x 0.00390; TOPMed 0.00393.

Submission:

Illumina Laboratory Services, Illumina
Classification: Likely benign for Qualitative or quantitative defects of delta-sarcoglycan. Last evaluated: 2018-01-13. Review status: criteria provided, single submitter. Criteria: ICSL Variant Classification Criteria 13 December 2019. Collection method: clinical testing. Allele origin: germline.
Comment: This variant was observed in the ICSL laboratory as part of a predisposition screen in an ostensibly healthy population. It had not been previously curated by ICSL or reported in the Human Gene Mutation Database (HGMD: prior to June 1st, 2018), and was therefore a candidate for classification through an automated scoring system. Utilizing variant allele frequency, disease prevalence and penetrance estimates, and inheritance mode, an automated score was calculated to assess if this variant is too frequent to cause the disease. Based on the score and internal cut-off values, a variant classified as likely benign is not then subjected to further curation. The score for this variant resulted in a classification of likely benign for this disease.